The following is an entry in ClinVar:

ClinVar aggregate classification (germline): Pathogenic/Likely pathogenic. Review status: criteria provided, multiple submitters, no conflicts (2 of 4 stars). 11 submissions from 11 submitters: Pathogenic (9); Likely pathogenic (2). Last evaluated 2026-01-14.

Conditions:
PHOX2B-related disorder. Also called: PHOX2B-related condition.
Central hypoventilation syndrome, congenital, 1, with or without Hirschsprung disease (CCHS1). Also called: AUTONOMIC CONTROL, CONGENITAL FAILURE OF; ONDINE CURSE, CONGENITAL; Central hypoventilation syndrome, congenital, 1, with or without Hirschsprung; Congenital Central Hypoventilation Syndrome (CCHS); CENTRAL HYPOVENTILATION SYNDROME, CONGENITAL, 1. Identifiers: Orphanet 661, MedGen C5562075, MONDO:0800026, OMIM 209880.
Hereditary cancer-predisposing syndrome. Also called: Hereditary Cancer Syndrome; Hereditary neoplastic syndrome; Tumor predisposition; Neoplastic Syndromes, Hereditary. Identifiers: Orphanet 140162, MedGen C0027672, MeSH D009386, MONDO:0015356.
Congenital central hypoventilation. Also called: Congenital Central Hypoventilation Syndrome. Identifiers: Orphanet 661, Orphanet 99803, MedGen C1275808, MONDO:0800031. Disease mechanism: gain of function.

Submissions (11):

PreventionGenetics, part of Exact Sciences
Classification: Pathogenic for PHOX2B-related condition. Last evaluated: 2026-01-14. Review status: criteria provided, single submitter. Criteria: ACMG Guidelines, 2015. Collection method: clinical testing. Allele origin: germline.
Comment: The PHOX2B c.741_758dup18 variant is predicted to result in an in-frame duplication (p.Ala255_Ala260dup). An expansion of the polyalanine repeat region from the normal 20 repeats to 26 repeats has previously been reported to be causative for congenital central hypoventilation syndrome (CCHS) (Serra et al. 2010. PubMed ID: 20456320). This variant has not been reported in a large population database (gnomAD), and is interpreted as Pathogenic/Likely pathogenic in ClinVar (Variation ID: 986849). This variant is interpreted as pathogenic.

Rady Children's Institute for Genomic Medicine, Rady Children's Hospital San Diego
Classification: Pathogenic for CENTRAL HYPOVENTILATION SYNDROME, CONGENITAL. Last evaluated: 2024-09-13. Review status: criteria provided, single submitter. Criteria: ACMG Guidelines, 2015. Collection method: clinical testing. Allele origin: germline. Affected: yes.
Comment: An alternative nomenclature for this variant is p.Ala241[26], which corresponds to a 26 polyalanine repeat expansion. Repeat expansions within the polyalanine tract in the PHOX2B gene are an established mechanism of disease and have been previously reported in patients with congenital central hypoventilation syndrome (PMID: 12640453, 14566559, 14608649, 15121777). The c.741_758dup (p.Ala255_Ala260dup) variant is absent from the latest version of the gnomAD population database and thus is presumed to be rare. Analysis of the parental samples was negative for the variant, indicating that this variant likely occurred as a de novo event. Based on the available evidence, the c.741_758dup (p.Ala255_Ala260dup) variant is classified as Pathogenic.

Molecular Genetics and NGS Laboratory, Hospital Fundacion Valle Del Lili
Classification: Pathogenic for Central hypoventilation syndrome, congenital, 1, with or without Hirschsprung disease. Last evaluated: 2024-08-22. Review status: criteria provided, single submitter. Criteria: ACMG Guidelines, 2015. Collection method: clinical testing. Allele origin: germline. Affected: yes. Observed: 1 variant allele.
Comment: Combined evidence strength is Very Strong (score = 9).Very Strong: ClinVar classifies this variant as Pathogenic, 2 stars. Supporting: LOVD classifies this variant as Pathogenic (PP5).Hot-spot of length 27 amino-acids has 108 missense/in-frame variants (26 pathogenic variants, 68 uncertain variants and 14 benign variants), which qualifies as strong pathogeniC (PM1). Variant not found in gnomAD genomes, Variant not found in gnomAD exomes (PM2). The position is not conserved (phyloP = 2.98 is between 1.08 and 3.58). No other in-silico engine is available (BP4).

Genomic Medicine Lab, University of California San Francisco
Classification: Pathogenic for Central hypoventilation syndrome, congenital, 1, with or without Hirschsprung disease. Last evaluated: 2023-11-29. Review status: criteria provided, single submitter. Criteria: ACMG Guidelines, 2015. Collection method: clinical testing. Allele origin: de novo. Affected: yes.

HudsonAlpha Institute for Biotechnology
Classification: Likely pathogenic for Central hypoventilation syndrome, congenital, 1, with or without Hirschsprung disease. Last evaluated: 2023-07-05. Review status: criteria provided, single submitter. Criteria: ACMG Guidelines, 2015. Collection method: research. Allele origin: unknown. Affected: yes. Observed: 1 variant allele. Study: CSER-SouthSeq.

Baylor Genetics
Classification: Pathogenic for Central hypoventilation syndrome, congenital, 1, with or without Hirschsprung disease. Last evaluated: 2023-06-17. Review status: criteria provided, single submitter. Criteria: ACMG Guidelines, 2015. Collection method: clinical testing. Allele origin: unknown.

GeneDx
Classification: Pathogenic. Last evaluated: 2023-03-31. Review status: criteria provided, single submitter. Criteria: GeneDx Variant Classification Process June 2021. Collection method: clinical testing. Allele origin: germline. Affected: yes.
Comment: Duplication of 6 alanine residues in the second polyalanine tract, resulting in a total of 26 alanine residues; Polyalanine repeat expansion of 26 or more repeats have been reported in association with congenital central hypoventilation syndrome (PMID: 20301600; 20208042); Observed as a de novo variant with confirmed parentage and as an apparently de novo variant in patients with CCHS tested at GeneDx and in the published literature (PMID: 12640453); Published functional evidence indicate that expanded PHOX2B protein forms ubiquitin positive inclusions, which sequester wild-type PHOX2B, resulting in reduced transcriptional and binding activity of wild-type protein and possibly supporting a dominant-negative effect (PMID 22307522; 23103552); Not observed at significant frequency in large population cohorts (gnomAD); This variant is associated with the following publications: (PMID: 20456320, 30850150, 12640453, 15860752, 20301600, 20208042, 22307522)

Ambry Genetics
Classification: Pathogenic for Hereditary cancer-predisposing syndrome. Last evaluated: 2022-05-17. Review status: criteria provided, single submitter. Criteria: Ambry Variant Classification Scheme 2023. Collection method: clinical testing. Allele origin: germline.
Comment: The p.Ala241[26] pathogenic mutation, located in coding exon 3 of the PHOX2B gene, results from an expansion of the polyalanine repeat region from 20 to 26 repeats. This expansion mutation is associated with congenital central hypoventilation syndrome (Amiel J et al. Nat. Genet., 2003 Apr;33:459-61; Matera I et al. J. Med. Genet., 2004 May;41:373-80; Woo HY et al. J. Pediatr. Surg. 2020 Mar;55(3):387-92). Based on the supporting evidence, this alteration is interpreted as a disease-causing mutation.

Institute of Medical Genetics and Applied Genomics, University Hospital Tübingen
Classification: Likely pathogenic. Last evaluated: 2020-10-23. Review status: criteria provided, single submitter. Criteria: ACMG Guidelines, 2015. Collection method: clinical testing. Allele origin: germline. Inheritance: Autosomal dominant inheritance. Affected: yes.

AiLife Diagnostics
Classification: Pathogenic. Last evaluated: 2020-07-23. Review status: criteria provided, single submitter. Criteria: ACMG Guidelines, 2015. Collection method: clinical testing. Allele origin: de novo. Affected: yes. Observed: 1 variant allele.

Blueprint Genetics
Classification: Pathogenic for PHOX2B-related disorders. Last evaluated: 2018-10-12. Review status: criteria provided, single submitter. Criteria: ACMG Guidelines, 2015. Collection method: clinical testing. Allele origin: germline. Affected: yes. Observed: 1 variant allele.

Literature cited by the submitters: PubMed 12640453 (cited by Ambry Genetics); PubMed 15121777 (cited by Ambry Genetics); PubMed 30850150 (cited by Ambry Genetics).

NM_003924.4(PHOX2B):c.741_758dup (p.Ala255_Ala260dup)

Genes: PHOX2B (paired like homeobox 2B; minus strand), LOC110011216 (paired like homeobox 2b polyalanine repeat instability region; plus strand). Cytogenetic location: 4p13.
Variant type: Duplication.
Coding change: c.741_758dup on transcript NM_003924.4 (MANE Select); coding-DNA positions 741 to 758, 18 bases duplicated (CGCGGCAGCGGCGGCGGC).
Protein change: p.Ala255_Ala260dup.
Molecular consequence: inframe insertion.
Genome position (GRCh38, 1-based): chr4:41,745,994-41,746,011, GCCGCCGCCGCTGCCGCG duplicated on the plus strand (CGCGGCAGCGGCGGCGGC on the coding strand, the reverse complement: PHOX2B is on the minus strand); duplicating any 18 consecutive bases within chr4:41,745,994-41,746,025 gives the same sequence; the c. name uses the placement nearest the transcript's 3' end. VCF-style (leftmost placement, unchanged base first): chr4-41745993-C-CGCCGCCGCCGCTGCCGCG. GRCh37 (hg19) VCF-style: chr4-41748010-C-CGCCGCCGCCGCTGCCGCG.
Other names: p.Ala255_Ala260dup; c.741_758dupCGCGGCAGCGGCGGCGGC (NM_003924.3); c.741_758dup18 (NM_003924.3).
Identifiers: ClinVar variation 986849 (VCV000986849.17), dbSNP rs771383153, ClinGen allele CA1139658466.
Genomic context (GRCh38, chr4:41,745,993, plus strand): 5'-CCAGCCTTGTCCAGGGCCCCCAGCCGCAGCCAGGCCTCCAGCTGCCGCCGCTGCCGCTGC[C>CGCCGCCGCCGCTGCCGCG]GCCGCCGCCGCTGCCGCGGCCGCCGCCGCTGCTGCTGCGCCGCCCTTGCCGGGTTCGCCT-3'